The following is an entry in ClinVar:

ClinVar aggregate classification (germline): Likely benign. Review status: criteria provided, multiple submitters, no conflicts (2 of 4 stars). 2 submissions from 2 submitters: Likely benign (2). Last evaluated 2025-02-17.

Allele frequency attached by ClinVar (database versions not stated): ExAC 0.00001; gnomAD exomes 0.00001 and 0.00002; gnomAD 0.00003; TOPMed 0.00004.
gnomAD v4.1: 15 of 1,613,850 alleles (0.00093%); highest among the groups gnomAD compares: African/African-American, 0.012%; no homozygotes.

Submissions (2):

Labcorp Genetics (formerly Invitae), Labcorp
Classification: Likely benign. Last evaluated: 2025-02-17. Review status: criteria provided, single submitter. Criteria: Invitae Variant Classification Sherloc (09022015). Collection method: clinical testing. Allele origin: germline.

CeGaT Center for Human Genetics Tuebingen
Classification: Likely benign. Last evaluated: 2024-07-01. Review status: criteria provided, single submitter. Criteria: CeGaT Center For Human Genetics Tuebingen Variant Classification Criteria Version 2. Collection method: clinical testing. Allele origin: germline. Affected: yes. Observed: 1 variant allele.
Comment: TUBGCP6: BP4, BP7

NM_020461.4(TUBGCP6):c.771C>T (p.Asp257=)

Gene: TUBGCP6 (tubulin gamma complex component 6; minus strand). Cytogenetic location: 22q13.33.
Variant type: single nucleotide variant.
Coding change: c.771C>T on transcript NM_020461.4 (MANE Select); coding-DNA position 771, C replaced by T.
Protein change: p.Asp257=; no amino-acid change (aspartic acid 257 retained).
Molecular consequence: synonymous variant.
Genome position (GRCh38, 1-based): chr22:50,240,338, G>A on the plus strand (C>T on the coding strand, the complement: TUBGCP6 is on the minus strand). VCF-style: chr22-50240338-G-A. GRCh37 (hg19) VCF-style: chr22-50678767-G-A.
Identifiers: ClinVar variation 748317 (VCV000748317.27), dbSNP rs746853843, ClinGen allele CA10308949.
Genomic context (GRCh38, chr22:50,240,338, plus strand): 5'-GGTCACGCTGGGCTCAGACTGGGAATCAGGAGTCAAGTTGGACGCTGACTGGAATCCTTC[G>A]TCTTCCCACTGATCCACACTCGGTGGGACCTGGAGACACAGGGAAGGGCAAACCGCCACT-3'
Protein context (NP_065194.3, residues 247-267): KVPPSVDQWE[Asp257=]EGFQSASNLT